The following is an entry in ClinVar:

NM_012186.3(FOXE3):c.545C>G (p.Pro182Arg)

Genes: FOXE3 (forkhead box E3; plus strand), LINC01389 (long independently transcribed non-coding RNA 1389; minus strand). Cytogenetic location: 1p33.
Variant type: single nucleotide variant.
Coding change: c.545C>G on transcript NM_012186.3 (MANE Select); coding-DNA position 545, C replaced by G.
Protein change: p.Pro182Arg; replaces proline 182 with arginine.
Molecular consequence: missense variant.
Genome position (GRCh38, 1-based): chr1:47,416,860, C>G. VCF-style: chr1-47416860-C-G. GRCh37 (hg19) VCF-style: chr1-47882532-C-G.
Other names: short protein forms P182R.
Identifiers: ClinVar variation 3759946 (VCV003759946.2).

ClinVar aggregate classification (germline): Uncertain significance (1 of 4 stars; one submission).

Conditions:
Congenital primary aphakia. Also called: Anterior segment dysgenesis 2, multiple subtypes; ANTERIOR SEGMENT DYSGENESIS 2. Identifiers: Orphanet 83461, MedGen C1853230, MONDO:0012456, OMIM 610256.
Anterior segment dysgenesis. Also called: Ocular anterior segment dysgenesis. Identifiers: Orphanet 88632, MedGen C1862839, MONDO:0019503, HP:0007700.

Submission:

Labcorp Genetics (formerly Invitae), Labcorp
Classification: Uncertain significance for Anterior segment dysgenesis; Congenital primary aphakia. Last evaluated: 2025-03-12. Review status: criteria provided, single submitter. Criteria: Invitae Variant Classification Sherloc (09022015). Collection method: clinical testing. Allele origin: germline.
Comment: This sequence change replaces proline, which is neutral and non-polar, with arginine, which is basic and polar, at codon 182 of the FOXE3 protein (p.Pro182Arg). This variant is not present in population databases (gnomAD no frequency). This variant has not been reported in the literature in individuals affected with FOXE3-related conditions. Invitae Evidence Modeling of protein sequence and biophysical properties (such as structural, functional, and spatial information, amino acid conservation, physicochemical variation, residue mobility, and thermodynamic stability) indicates that this missense variant is not expected to disrupt FOXE3 protein function with a negative predictive value of 95%. In summary, the available evidence is currently insufficient to determine the role of this variant in disease. Therefore, it has been classified as a Variant of Uncertain Significance.